The following is an entry in ClinVar:

ClinVar aggregate classification (germline): Uncertain significance. Review status: criteria provided, multiple submitters, no conflicts (2 of 4 stars). 2 submissions from 2 submitters: Uncertain significance (2). Last evaluated 2024-03-06.

Conditions:
Ataxia-telangiectasia-like disorder (ATLD). Identifiers: MedGen C1858391, MONDO:0011457.
Hereditary cancer-predisposing syndrome. Also called: Hereditary neoplastic syndrome; Tumor predisposition; Hereditary Cancer Syndrome; Neoplastic Syndromes, Hereditary. Identifiers: Orphanet 140162, MedGen C0027672, MeSH D009386, MONDO:0015356.

Submissions (2):

Ambry Genetics
Classification: Uncertain significance for Hereditary cancer-predisposing syndrome. Last evaluated: 2024-03-06. Review status: criteria provided, single submitter. Criteria: Ambry Variant Classification Scheme 2023. Collection method: clinical testing. Allele origin: germline.
Comment: The p.Y640N variant (also known as c.1918T>A), located in coding exon 16 of the MRE11A gene, results from a T to A substitution at nucleotide position 1918. The tyrosine at codon 640 is replaced by asparagine, an amino acid with dissimilar properties. This amino acid position is conserved. In addition, this alteration is predicted to be deleterious by in silico analysis. Since supporting evidence is limited at this time, the clinical significance of this alteration remains unclear.

Labcorp Genetics (formerly Invitae), Labcorp
Classification: Uncertain significance for Ataxia-telangiectasia-like disorder. Last evaluated: 2020-02-29. Review status: criteria provided, single submitter. Criteria: Invitae Variant Classification Sherloc (09022015). Collection method: clinical testing. Allele origin: germline.
Comment: This sequence change replaces tyrosine with asparagine at codon 640 of the MRE11A protein (p.Tyr640Asn). The tyrosine residue is moderately conserved and there is a large physicochemical difference between tyrosine and asparagine. This variant is not present in population databases and has not been reported in the literature. Algorithms developed to predict the effect of missense changes on protein structure and function do not agree on the potential impact of this missense change (SIFT: "deleterious"; PolyPhen-2: "Benign"; Align-GVGD: "Class C0"). In summary, this is a novel missense change with uncertain impact on protein function. It has been classified as a Variant of Uncertain Significance.

NM_005591.4(MRE11):c.1918T>A (p.Tyr640Asn)

Gene: MRE11 (MRE11 double strand break repair nuclease; minus strand). Cytogenetic location: 11q21.
Variant type: single nucleotide variant.
Coding change: c.1918T>A on transcript NM_005591.4 (MANE Select); coding-DNA position 1918, T replaced by A.
Protein change: p.Tyr640Asn; replaces tyrosine 640 with asparagine.
Molecular consequence: missense variant.
Genome position (GRCh38, 1-based): chr11:94,437,185, A>T on the plus strand (T>A on the coding strand, the complement: MRE11 is on the minus strand). VCF-style: chr11-94437185-A-T. GRCh37 (hg19) VCF-style: chr11-94170351-A-T.
Other names: c.1915T>A, p.Tyr639Asn (NM_001330347.2); c.1834T>A, p.Tyr612Asn (NM_005590.4); short protein forms Y640N, Y612N, Y639N.
Identifiers: ClinVar variation 220226 (VCV000220226.12), dbSNP rs864622429, ClinGen allele CA349493.